The following is an entry in ClinVar:

NM_001128225.3(SLC39A13):c.640A>G (p.Ile214Val)

Gene: SLC39A13 (solute carrier family 39 member 13; plus strand). Cytogenetic location: 11p11.2.
Variant type: single nucleotide variant.
Coding change: c.640A>G on transcript NM_001128225.3 (MANE Select); coding-DNA position 640, A replaced by G.
Protein change: p.Ile214Val; replaces isoleucine 214 with valine.
Molecular consequence: missense variant. On other transcripts: non-coding transcript variant (1).
Genome position (GRCh38, 1-based): chr11:47,413,502, A>G. VCF-style: chr11-47413502-A-G. GRCh37 (hg19) VCF-style: chr11-47435053-A-G.
Other names: p.Ile214Val; c.640A>G, p.Ile214Val (NM_001330245.2, NM_152264.5); short protein forms I214V.
Identifiers: ClinVar variation 452828 (VCV000452828.16), dbSNP rs750123189, ClinGen allele CA5975849.

ClinVar aggregate classification (germline): Uncertain significance. Review status: criteria provided, multiple submitters, no conflicts (2 of 4 stars). 4 submissions from 4 submitters: Uncertain significance (4). Last evaluated 2023-02-23.

Conditions:
Inborn genetic diseases. Identifiers: MedGen C0950123, MeSH D030342.
Ehlers-Danlos syndrome, spondylodysplastic type, 3. Also called: Ehlers-Danlos syndrome, spondylocheirodysplastic type. Identifiers: Orphanet 157965, MedGen C2676510, MONDO:0012873, OMIM 612350.

Allele frequency attached by ClinVar (database versions not stated): ExAC 0.00003; gnomAD 0.00003 and 0.00004; gnomAD exomes 0.00003 and 0.00009; TOPMed 0.00004.
gnomAD v4.1: 160 of 1,613,980 alleles (0.0099%); highest among the groups gnomAD compares: Non-Finnish European, 0.011%; no homozygotes.

Submissions (4):

Ambry Genetics
Classification: Uncertain significance for Inborn genetic diseases. Last evaluated: 2023-02-23. Review status: criteria provided, single submitter. Criteria: Ambry Variant Classification Scheme 2023. Collection method: clinical testing. Allele origin: germline.

Labcorp Genetics (formerly Invitae), Labcorp
Classification: Uncertain significance for Ehlers-Danlos syndrome, spondylodysplastic type, 3. Last evaluated: 2022-10-25. Review status: criteria provided, single submitter. Criteria: Invitae Variant Classification Sherloc (09022015). Collection method: clinical testing. Allele origin: germline.
Comment: This sequence change replaces isoleucine, which is neutral and non-polar, with valine, which is neutral and non-polar, at codon 214 of the SLC39A13 protein (p.Ile214Val). This variant is present in population databases (rs750123189, gnomAD 0.005%). This variant has not been reported in the literature in individuals affected with SLC39A13-related conditions. ClinVar contains an entry for this variant (Variation ID: 452828). Advanced modeling of protein sequence and biophysical properties (such as structural, functional, and spatial information, amino acid conservation, physicochemical variation, residue mobility, and thermodynamic stability) performed at Invitae indicates that this missense variant is not expected to disrupt SLC39A13 protein function. In summary, the available evidence is currently insufficient to determine the role of this variant in disease. Therefore, it has been classified as a Variant of Uncertain Significance.

Mayo Clinic Laboratories, Mayo Clinic
Classification: Uncertain significance. Last evaluated: 2022-01-18. Review status: criteria provided, single submitter. Criteria: ACMG Guidelines, 2015. Collection method: clinical testing. Allele origin: germline.

GeneDx
Classification: Uncertain significance. Last evaluated: 2020-04-14. Review status: criteria provided, single submitter. Criteria: GeneDx Variant Classification Process June 2021. Collection method: clinical testing. Allele origin: germline. Affected: yes.
Comment: Not observed at a significant frequency in large population cohorts (Lek et al., 2016); In silico analysis supports that this missense variant does not alter protein structure/function